The following is an entry in ClinVar:

NM_015425.6(POLR1A):c.4687C>T (p.Leu1563Phe)

Gene: POLR1A (RNA polymerase I subunit A; minus strand). Cytogenetic location: 2p11.2.
Variant type: single nucleotide variant.
Coding change: c.4687C>T on transcript NM_015425.6 (MANE Select); coding-DNA position 4687, C replaced by T.
Protein change: p.Leu1563Phe; replaces leucine 1563 with phenylalanine.
Molecular consequence: missense variant.
Genome position (GRCh38, 1-based): chr2:86,030,288, G>A on the plus strand (C>T on the coding strand, the complement: POLR1A is on the minus strand). VCF-style: chr2-86030288-G-A. GRCh37 (hg19) VCF-style: chr2-86257411-G-A.
Other names: c.4687C>T (NM_015425.4); short protein forms L1563F.
Identifiers: ClinVar variation 4741394 (VCV004741394.2).
Genomic context (GRCh38, chr2:86,030,288, plus strand): 5'-TTCCTTCTGTGTTTAGCACAAGCTCCTTCTCGTTCTTATTGTTGGTTGTTTCATTCAGGA[G>A]GCACCGAGTGATGCCCTTGGTCGCATAGATGACGGCACCATGGGCCAAAGATACTACCAG-3'
Protein context (NP_056240.2, residues 1553-1573): IYATKGITRC[Leu1563Phe]LNETTNNKNE

ClinVar aggregate classification (germline): Uncertain significance. Review status: criteria provided, multiple submitters, no conflicts (2 of 4 stars). 2 submissions from 2 submitters: Uncertain significance (2). Last evaluated 2026-05-08.

Conditions:
POLR1A-related disorder. Also called: POLR1A-related condition.

gnomAD v4.1: 1 of 1,614,156 alleles (0.000062%); highest among the groups gnomAD compares: Non-Finnish European, 0.000085%; no homozygotes.

Submissions (2):

PreventionGenetics, part of Exact Sciences
Classification: Uncertain significance for POLR1A-related condition. Last evaluated: 2026-05-08. Review status: criteria provided, single submitter. Criteria: ACMG Guidelines, 2015. Collection method: clinical testing. Allele origin: germline.
Comment: The POLR1A c.4687C>T variant is predicted to result in the amino acid substitution p.Leu1563Phe. To our knowledge, this variant has not been reported in the literature or in a large population database (gnomAD), indicating this variant is rare. At this time, the clinical significance of this variant is uncertain due to the absence of conclusive functional and genetic evidence.

Labcorp Genetics (formerly Invitae), Labcorp
Classification: Uncertain significance. Last evaluated: 2025-03-11. Review status: criteria provided, single submitter. Criteria: Invitae Variant Classification Sherloc (09022015). Collection method: clinical testing. Allele origin: germline.
Comment: This sequence change replaces leucine, which is neutral and non-polar, with phenylalanine, which is neutral and non-polar, at codon 1563 of the POLR1A protein (p.Leu1563Phe). This variant is not present in population databases (gnomAD no frequency). This variant has not been reported in the literature in individuals affected with POLR1A-related conditions. Invitae Evidence Modeling of protein sequence and biophysical properties (such as structural, functional, and spatial information, amino acid conservation, physicochemical variation, residue mobility, and thermodynamic stability) indicates that this missense variant is not expected to disrupt POLR1A protein function with a negative predictive value of 80%. In summary, the available evidence is currently insufficient to determine the role of this variant in disease. Therefore, it has been classified as a Variant of Uncertain Significance.